The following is an entry in ClinVar:

ClinVar aggregate classification (germline): Conflicting classifications of pathogenicity. Review status: criteria provided, conflicting classifications (1 of 4 stars). 2 submissions from 2 submitters: Likely pathogenic (1); Uncertain significance (1). Last evaluated 2025-08-15.

Conditions:
Hereditary cancer-predisposing syndrome. Also called: Neoplastic Syndromes, Hereditary; Tumor predisposition; Hereditary Cancer Syndrome; Hereditary neoplastic syndrome. Identifiers: Orphanet 140162, MedGen C0027672, MeSH D009386, MONDO:0015356.
Familial adenomatous polyposis 2. Also called: MYH-associated polyposis; FAP type 2; MUTYH-associated polyposis; MUTYH-related attenuated familial adenomatous polyposis; Adenomas, multiple colorectal; COLORECTAL ADENOMATOUS POLYPOSIS, AUTOSOMAL RECESSIVE. Identifiers: Orphanet 220460, Orphanet 247798, MedGen C3272841, MONDO:0012041, OMIM 608456.

Submissions (2):

Ambry Genetics
Classification: Likely pathogenic for Hereditary cancer-predisposing syndrome. Last evaluated: 2025-08-15. Review status: criteria provided, single submitter. Criteria: Ambry Variant Classification Scheme 2023. Collection method: clinical testing. Allele origin: germline.
Comment: The p.C306F variant (also known as c.917G>T), located in coding exon 10 of the MUTYH gene, results from a G to T substitution at nucleotide position 917. The cysteine at codon 306 is replaced by phenylalanine, an amino acid with highly dissimilar properties. In a massively parallel cell-based functional assay testing 7,8-dihydro-8- oxoguanine:adenine (8OG:A) repair activity, a byproduct of oxidative damage, this variant was reported to be non-functional (Hemker SL et al. Am J Hum Genet. Published online July 29, 2025. DOI: 10.1016/j.ajhg.2025.07.005). This amino acid position is highly conserved in available vertebrate species. In addition, this alteration is predicted to be deleterious by in silico analysis. This variant is considered to be rare based on population cohorts in the Genome Aggregation Database (gnomAD). Based on the majority of available evidence to date, this variant is likely to be pathogenic.

Labcorp Genetics (formerly Invitae), Labcorp
Classification: Uncertain significance for Familial adenomatous polyposis 2. Last evaluated: 2024-03-11. Review status: criteria provided, single submitter. Criteria: Invitae Variant Classification Sherloc (09022015). Collection method: clinical testing. Allele origin: germline.
Comment: This sequence change replaces cysteine, which is neutral and slightly polar, with phenylalanine, which is neutral and non-polar, at codon 306 of the MUTYH protein (p.Cys306Phe). This variant is not present in population databases (gnomAD no frequency). This missense change has been observed in individual(s) with clinical features of MUTYH-associated polyposis (Invitae). ClinVar contains an entry for this variant (Variation ID: 1348825). An algorithm developed to predict the effect of missense changes on protein structure and function (PolyPhen-2) suggests that this variant is likely to be disruptive. In summary, the available evidence is currently insufficient to determine the role of this variant in disease. Therefore, it has been classified as a Variant of Uncertain Significance.

Literature cited by the submitters: PubMed 40738107 (cited by Ambry Genetics).

NM_001048174.2(MUTYH):c.833G>T (p.Cys278Phe)

Gene: MUTYH (mutY DNA glycosylase; minus strand). Cytogenetic location: 1p34.1.
Variant type: single nucleotide variant.
Coding change: c.833G>T on transcript NM_001048174.2 (MANE Select); coding-DNA position 833, G replaced by T.
Protein change: p.Cys278Phe; replaces cysteine 278 with phenylalanine.
Molecular consequence: missense variant. On other transcripts: non-coding transcript variant (2).
Genome position (GRCh38, 1-based): chr1:45,332,182, C>A on the plus strand (G>T on the coding strand, the complement: MUTYH is on the minus strand). VCF-style: chr1-45332182-C-A. GRCh37 (hg19) VCF-style: chr1-45797854-C-A.
Other names: c.833G>T, p.Cys278Phe (NM_001048171.2, NM_001048173.2, NM_001293195.2); c.836G>T, p.Cys279Phe (NM_001048172.2); c.917G>T, p.Cys306Phe (NM_001128425.2); c.878G>T, p.Cys293Phe (NM_001293190.2); c.866G>T, p.Cys289Phe (NM_001293191.2); c.557G>T, p.Cys186Phe (NM_001293192.2, NM_001293196.2); c.488G>T, p.Cys163Phe (NM_001350650.2, NM_001350651.2); c.908G>T, p.Cys303Phe (NM_012222.3); short protein forms C186F, C279F, C289F, C293F, C303F, C278F, C163F, C306F.
Identifiers: ClinVar variation 1348825 (VCV001348825.11), dbSNP rs786204112, ClinGen allele CA340134326.